The following is an entry in ClinVar:

ClinVar aggregate classification (germline): Uncertain significance (1 of 4 stars; one submission).

gnomAD v4.1: 1 of 1,613,980 alleles (0.000062%); highest among the groups gnomAD compares: Non-Finnish European, 0.000085%; no homozygotes.

Submission:

Labcorp Genetics (formerly Invitae), Labcorp
Classification: Uncertain significance. Last evaluated: 2024-03-30. Review status: criteria provided, single submitter. Criteria: Invitae Variant Classification Sherloc (09022015). Collection method: clinical testing. Allele origin: germline.
Comment: This sequence change replaces serine, which is neutral and polar, with proline, which is neutral and non-polar, at codon 642 of the CNNM2 protein (p.Ser642Pro). This variant is not present in population databases (gnomAD no frequency). This variant has not been reported in the literature in individuals affected with CNNM2-related conditions. Advanced modeling of protein sequence and biophysical properties (such as structural, functional, and spatial information, amino acid conservation, physicochemical variation, residue mobility, and thermodynamic stability) performed at Invitae indicates that this missense variant is not expected to disrupt CNNM2 protein function with a negative predictive value of 80%. In summary, the available evidence is currently insufficient to determine the role of this variant in disease. Therefore, it has been classified as a Variant of Uncertain Significance.

NM_017649.5(CNNM2):c.1924T>C (p.Ser642Pro)

Gene: CNNM2 (cyclin and CBS domain divalent metal cation transport mediator 2; plus strand). Cytogenetic location: 10q24.32.
Variant type: single nucleotide variant.
Coding change: c.1924T>C on transcript NM_017649.5 (MANE Select); coding-DNA position 1924, T replaced by C.
Protein change: p.Ser642Pro; replaces serine 642 with proline.
Molecular consequence: missense variant.
Genome position (GRCh38, 1-based): chr10:103,056,815, T>C. VCF-style: chr10-103056815-T-C. GRCh37 (hg19) VCF-style: chr10-104816572-T-C.
Other names: c.1924T>C, p.Ser642Pro (NM_199076.3); short protein forms S642P.
Identifiers: ClinVar variation 3643327 (VCV003643327.2).